The following is an entry in ClinVar:

ClinVar aggregate classification (germline): Uncertain significance (1 of 4 stars; one submission).

Conditions:
Familial hemiplegic migraine. Identifiers: MedGen C0338484, MONDO:0000700.

Submission:

Labcorp Genetics (formerly Invitae), Labcorp
Classification: Uncertain significance for Familial hemiplegic migraine. Last evaluated: 2022-12-08. Review status: criteria provided, single submitter. Criteria: Invitae Variant Classification Sherloc (09022015). Collection method: clinical testing. Allele origin: germline.
Comment: In summary, the available evidence is currently insufficient to determine the role of this variant in disease. Therefore, it has been classified as a Variant of Uncertain Significance. Advanced modeling of protein sequence and biophysical properties (such as structural, functional, and spatial information, amino acid conservation, physicochemical variation, residue mobility, and thermodynamic stability) performed at Invitae indicates that this missense variant is expected to disrupt ATP1A2 protein function. This variant has not been reported in the literature in individuals affected with ATP1A2-related conditions. This variant is not present in population databases (gnomAD no frequency). This sequence change replaces serine, which is neutral and polar, with leucine, which is neutral and non-polar, at codon 214 of the ATP1A2 protein (p.Ser214Leu).

NM_000702.4(ATP1A2):c.641C>T (p.Ser214Leu)

Genes: ATP1A2 (ATPase Na+/K+ transporting subunit alpha 2; plus strand), LOC126805890 (CDK7 strongly-dependent group 2 enhancer GRCh37_chr1:160093987-160095186; plus strand). Cytogenetic location: 1q23.2.
Variant type: single nucleotide variant.
Coding change: c.641C>T on transcript NM_000702.4 (MANE Select); coding-DNA position 641, C replaced by T.
Protein change: p.Ser214Leu; replaces serine 214 with leucine.
Molecular consequence: missense variant.
Genome position (GRCh38, 1-based): chr1:160,125,146, C>T. VCF-style: chr1-160125146-C-T. GRCh37 (hg19) VCF-style: chr1-160094936-C-T.
Other names: short protein forms S214L.
Identifiers: ClinVar variation 2819422 (VCV002819422.3), dbSNP rs2524859282, ClinGen allele CA343235103.